The following is an entry in ClinVar:

NM_001042492.3(NF1):c.491T>C (p.Leu164Ser)

Gene: NF1 (neurofibromin 1; plus strand). Cytogenetic location: 17q11.2.
Variant type: single nucleotide variant.
Coding change: c.491T>C on transcript NM_001042492.3 (MANE Select); coding-DNA position 491, T replaced by C.
Protein change: p.Leu164Ser; replaces leucine 164 with serine.
Molecular consequence: missense variant.
Genome position (GRCh38, 1-based): chr17:31,169,902, T>C. VCF-style: chr17-31169902-T-C. GRCh37 (hg19) VCF-style: chr17-29496920-T-C.
Other names: c.491T>C, p.Leu164Ser (NM_000267.4, NM_001128147.3); short protein forms L164S.
Identifiers: ClinVar variation 3634480 (VCV003634480.2).
Genomic context (GRCh38, chr17:31,169,902, plus strand): 5'-GTCCCCTAATACTTAATTTGATAAGTTAATTTTGGTTTTTACTTTTTAGGTTACAGGAAT[T>C]AACTGTTTGTTCAGAAGACAATGTTGATGTTCATGATATAGAATTGTTACAGTATATCAA-3'
Protein context (NP_001035957.1, residues 154-174): FSRISTRLQE[Leu164Ser]TVCSEDNVDV

ClinVar aggregate classification (germline): Uncertain significance (1 of 4 stars; one submission).

Conditions:
Neurofibromatosis, type 1 (NF1). Also called: VON RECKLINGHAUSEN DISEASE; Peripheral type neurofibromatosis; NEUROFIBROMATOSIS, TYPE I, SOMATIC; Neurofibromatosis, type I. Identifiers: Orphanet 636, MedGen C0027831, MONDO:0018975, OMIM 162200. Disease mechanism: loss of function.

Submission:

Labcorp Genetics (formerly Invitae), Labcorp
Classification: Uncertain significance for Neurofibromatosis, type 1. Last evaluated: 2024-05-14. Review status: criteria provided, single submitter. Criteria: Invitae Variant Classification Sherloc (09022015). Collection method: clinical testing. Allele origin: germline.
Comment: This sequence change replaces leucine, which is neutral and non-polar, with serine, which is neutral and polar, at codon 164 of the NF1 protein (p.Leu164Ser). This variant is not present in population databases (gnomAD no frequency). This variant has not been reported in the literature in individuals affected with NF1-related conditions. Advanced modeling of protein sequence and biophysical properties (such as structural, functional, and spatial information, amino acid conservation, physicochemical variation, residue mobility, and thermodynamic stability) performed at Invitae indicates that this missense variant is expected to disrupt NF1 protein function with a positive predictive value of 95%. In summary, the available evidence is currently insufficient to determine the role of this variant in disease. Therefore, it has been classified as a Variant of Uncertain Significance.